The following is an entry in ClinVar:

ClinVar aggregate classification (germline): Uncertain significance. Review status: criteria provided, multiple submitters, no conflicts (2 of 4 stars). 2 submissions from 2 submitters: Uncertain significance (2). Last evaluated 2024-02-21.

Conditions:
Polycystic liver disease 2 (PCLD2). Also called: Polycystic liver disease 2 with or without kidney cysts. Identifiers: Orphanet 2924, MedGen C4310769, MONDO:0014860, OMIM 617004.

Allele frequency attached by ClinVar (database versions not stated): gnomAD exomes below 0.00001.

Submissions (2):

Fulgent Genetics
Classification: Uncertain significance for Polycystic liver disease 2. Last evaluated: 2024-02-21. Review status: criteria provided, single submitter. Criteria: ACMG Guidelines, 2015. Collection method: clinical testing. Allele origin: germline.

Labcorp Genetics (formerly Invitae), Labcorp
Classification: Uncertain significance. Last evaluated: 2023-10-26. Review status: criteria provided, single submitter. Criteria: Invitae Variant Classification Sherloc (09022015). Collection method: clinical testing. Allele origin: germline.
Comment: This sequence change affects the initiator methionine of the SEC63 mRNA. The next in-frame methionine is located at codon 57. This variant is not present in population databases (gnomAD no frequency). This variant has not been reported in the literature in individuals affected with SEC63-related conditions. In summary, the available evidence is currently insufficient to determine the role of this variant in disease. Therefore, it has been classified as a Variant of Uncertain Significance.

NM_007214.5(SEC63):c.1dup (p.Met1fs)

Gene: SEC63 (SEC63 protein translocation regulator; minus strand). Cytogenetic location: 6q21.
Variant type: Duplication.
Coding change: c.1dup on transcript NM_007214.5 (MANE Select); coding-DNA position 1, one base duplicated (A; older notation c.1dupA).
Protein change: p.Met1fs; shifts the reading frame from methionine 1.
Molecular consequence: frameshift variant, initiator codon variant.
Genome position (GRCh38, 1-based): chr6:107,958,009, T duplicated on the plus strand (A on the coding strand, the reverse complement: SEC63 is on the minus strand). VCF-style (leftmost placement, unchanged base first): chr6-107958008-A-AT. GRCh37 (hg19) VCF-style: chr6-108279212-A-AT.
Other names: short protein forms M1fs.
Identifiers: ClinVar variation 2986709 (VCV002986709.4), dbSNP rs2481998958, ClinGen allele CA2537365833.